The following is an entry in ClinVar:

NM_015338.6(ASXL1):c.1940C>T (p.Pro647Leu)

Gene: ASXL1 (ASXL transcriptional regulator 1; plus strand). Cytogenetic location: 20q11.21.
Variant type: single nucleotide variant.
Coding change: c.1940C>T on transcript NM_015338.6 (MANE Select); coding-DNA position 1940, C replaced by T.
Protein change: p.Pro647Leu; replaces proline 647 with leucine.
Molecular consequence: missense variant.
Genome position (GRCh38, 1-based): chr20:32,434,652, C>T. VCF-style: chr20-32434652-C-T. GRCh37 (hg19) VCF-style: chr20-31022455-C-T.
Other names: c.1757C>T, p.Pro586Leu (NM_001363734.1); short protein forms P586L, P647L.
Identifiers: ClinVar variation 2980642 (VCV002980642.3), dbSNP rs745371501, ClinGen allele CA9808506.
Genomic context (GRCh38, chr20:32,434,652, plus strand): 5'-CGAGAGGTCACCACTGCCATAGAGAGGCGGCCACCACTGCCATCGGAGGGGGGGGTGGCC[C>T]GGGTGGAGGTGGCGGCGGGGCCACCGATGAGGGAGGTGGCAGAGGCAGCAGCAGTGGTGA-3'
Protein context (NP_056153.2, residues 637-657): ATTAIGGGGG[Pro647Leu]GGGGGGATDE

ClinVar aggregate classification (germline): Uncertain significance (1 of 4 stars; one submission).

Allele frequency attached by ClinVar (database versions not stated): ExAC 0.00002; TOPMed 0.00002.
gnomAD v4.1: 13 of 1,604,714 alleles (0.00081%); highest among the groups gnomAD compares: Middle Eastern, 0.017%; no homozygotes.

Submission:

Labcorp Genetics (formerly Invitae), Labcorp
Classification: Uncertain significance. Last evaluated: 2025-01-06. Review status: criteria provided, single submitter. Criteria: Invitae Variant Classification Sherloc (09022015). Collection method: clinical testing. Allele origin: germline.
Comment: This sequence change replaces proline, which is neutral and non-polar, with leucine, which is neutral and non-polar, at codon 647 of the ASXL1 protein (p.Pro647Leu). This variant is present in population databases (rs745371501, gnomAD 0.02%). This variant has not been reported in the literature in individuals affected with ASXL1-related conditions. ClinVar contains an entry for this variant (Variation ID: 2980642). An algorithm developed to predict the effect of missense changes on protein structure and function (PolyPhen-2) suggests that this variant is likely to be disruptive. In summary, the available evidence is currently insufficient to determine the role of this variant in disease. Therefore, it has been classified as a Variant of Uncertain Significance.